The following is an entry in ClinVar:

NM_018180.3(DHX32):c.1528G>A (p.Ala510Thr)

Genes: BCCIP (BRCA2 and CDKN1A interacting protein; plus strand), DHX32 (DEAH-box helicase 32 (putative); minus strand). Cytogenetic location: 10q26.2.
Variant type: single nucleotide variant.
Coding change: c.1528G>A on transcript NM_018180.3 (MANE Select); coding-DNA position 1528, G replaced by A.
Protein change: p.Ala510Thr; replaces alanine 510 with threonine.
Molecular consequence: missense variant. On other transcripts: 3 prime UTR variant (1), intron variant (1).
Genome position (GRCh38, 1-based): chr10:125,841,758, C>T on the plus strand (G>A on the coding strand, the complement: DHX32 is on the minus strand). VCF-style: chr10-125841758-C-T. GRCh37 (hg19) VCF-style: chr10-127530327-C-T.
Other names: c.*399C>T (NM_078469.3); c.850+428C>T (NM_016567.4); short protein forms A510T.
Identifiers: ClinVar variation 1504761 (VCV001504761.7), dbSNP rs536342432, ClinGen allele CA5739164.

ClinVar aggregate classification (germline): Uncertain significance. Review status: criteria provided, multiple submitters, no conflicts (2 of 4 stars). 2 submissions from 2 submitters: Uncertain significance (2). Last evaluated 2024-04-09.

Allele frequency attached by ClinVar (database versions not stated): TOPMed below 0.00001; ExAC 0.00001; 1000 Genomes Project 30x 0.00016; gnomAD 0.00001; gnomAD exomes 0.00001; 1000 Genomes Project 0.00020.
gnomAD v4.1: 16 of 1,609,680 alleles (0.00099%); highest among the groups gnomAD compares: South Asian, 0.0034%; no homozygotes.

Submissions (2):

Labcorp Genetics (formerly Invitae), Labcorp
Classification: Uncertain significance. Last evaluated: 2024-04-09. Review status: criteria provided, single submitter. Criteria: Invitae Variant Classification Sherloc (09022015). Collection method: clinical testing. Allele origin: germline.
Comment: This sequence change replaces alanine, which is neutral and non-polar, with threonine, which is neutral and polar, at codon 510 of the DHX32 protein (p.Ala510Thr). This variant is present in population databases (rs536342432, gnomAD 0.003%). This variant has not been reported in the literature in individuals affected with DHX32-related conditions. ClinVar contains an entry for this variant (Variation ID: 1504761). An algorithm developed to predict the effect of missense changes on protein structure and function (PolyPhen-2) suggests that this variant is likely to be disruptive. In summary, the available evidence is currently insufficient to determine the role of this variant in disease. Therefore, it has been classified as a Variant of Uncertain Significance.

Ambry Genetics
Classification: Uncertain significance. Last evaluated: 2024-01-03. Review status: criteria provided, single submitter. Criteria: Ambry Variant Classification Scheme 2023. Collection method: clinical testing. Allele origin: germline.